The following is an entry in ClinVar:

NM_139058.3(ARX):c.164C>A (p.Thr55Asn)

Gene: ARX (aristaless related homeobox; minus strand). Cytogenetic location: Xp21.3.
Variant type: single nucleotide variant.
Coding change: c.164C>A on transcript NM_139058.3 (MANE Select); coding-DNA position 164, C replaced by A.
Protein change: p.Thr55Asn; replaces threonine 55 with asparagine.
Molecular consequence: missense variant.
Genome position (GRCh38, 1-based): chrX:25,015,574, G>T on the plus strand (C>A on the coding strand, the complement: ARX is on the minus strand). VCF-style: chrX-25015574-G-T. GRCh37 (hg19) VCF-style: chrX-25033691-G-T.
Other names: short protein forms T55N.
Identifiers: ClinVar variation 2505656 (VCV002505656.1), dbSNP rs2519109138, ClinGen allele CA412613759.

ClinVar aggregate classification (germline): Uncertain significance (1 of 4 stars; one submission).

Submission:

GeneDx
Classification: Uncertain significance. Last evaluated: 2022-12-19. Review status: criteria provided, single submitter. Criteria: GeneDx Variant Classification Process June 2021. Collection method: clinical testing. Allele origin: germline. Affected: yes.
Comment: Not observed at significant frequency in large population cohorts (gnomAD); In silico analysis supports that this missense variant does not alter protein structure/function; Has not been previously published as pathogenic or benign to our knowledge